The following is an entry in ClinVar:

Single allele

Variant type: Duplication.
Identifiers: ClinVar variation 157463 (VCV000157463.2).

ClinVar aggregate classification (germline): not provided (0 of 4 stars; one submission).

Conditions:
Small for gestational age. Also called: Low birth weight. Identifiers: MedGen C0235991, HP:0001518.

Submission:

Institute of Molecular and Cell Biology, University of Tartu
No classification provided. Condition: Small for gestational age. Review status: no classification provided. Collection method: case-control. Allele origin: unknown. Affected: yes. Study: Kasak2014.
Comment: The study aimed to determine the contribution of copy number variants in the genetic etiology of normal and complicated pregnancies. The samples represented (i) maternal blood DNA drawn from healthy pregnant women during 1st or 2nd trimester and (ii) maternal and paternal blood DNA drawn at term pregnancy cases representing normal and complicated gestations (severe preeclampsia, PE; gestational diabetes, GD; small-for-gestational age newborn, SGA; large-for-gestational age newborn, LGA). We performed CNV calling based on genome-wide genotyping dataset (Illumina HumanOmniExpress-24-v1 BeadChip) by applying three algorithms, QuantiSNP, GADA (Genome Alteration Detection Algorithm) and CNstream in parallel. The acquired CNV calls were merged with HD-CNV (Hotspot Detector for Copy Number Variants) program and only the CNVs predicted by at least two programs, were considered in subsequent analysis.

Literature cited by the submitters: PubMed 25666259.